The following is an entry in ClinVar:

ClinVar aggregate classification (germline): Conflicting classifications of pathogenicity. Review status: criteria provided, conflicting classifications (1 of 4 stars). 6 submissions from 6 submitters: Uncertain significance (2); Likely benign (4). Last evaluated 2026-01-08.

Conditions:
Autosomal recessive nonsyndromic hearing loss 4 (DFNB4). Also called: FOXI1-Related Pendred Syndrome; KCNJ10-Related Pendred Syndrome; DEAFNESS, AUTOSOMAL RECESSIVE 4, WITH ENLARGED VESTIBULAR AQUEDUCT, DIGENIC; Nonsyndromic enlarged vestibular aqueduct (NSEVA); Deafness, autosomal recessive 4, with enlarged vestibular aqueduct; Deafness, autosomal recessive 4. Identifiers: Orphanet 90636, MedGen C3538946, MONDO:0010933, OMIM 600791.

Allele frequency attached by ClinVar (database versions not stated): 1000 Genomes Project 30x 0.00016; 1000 Genomes Project 0.00020; gnomAD 0.00054; TOPMed 0.00060; ExAC 0.00062; gnomAD exomes 0.00065; ESP Exome Variant Server 0.00069.
gnomAD v4.1: 1,085 of 1,614,156 alleles (0.067%); highest among the groups gnomAD compares: Middle Eastern, 2%; 14 homozygotes.

Submissions (6):

Labcorp Genetics (formerly Invitae), Labcorp
Classification: Likely benign. Last evaluated: 2026-01-08. Review status: criteria provided, single submitter. Criteria: Invitae Variant Classification Sherloc (09022015). Collection method: clinical testing. Allele origin: germline.

Blueprint Genetics
Classification: Likely benign. Last evaluated: 2024-10-30. Review status: criteria provided, single submitter. Criteria: ACMG Guidelines, 2015. Collection method: clinical testing. Allele origin: germline.

CeGaT Center for Human Genetics Tuebingen
Classification: Likely benign. Last evaluated: 2023-05-01. Review status: criteria provided, single submitter. Criteria: CeGaT Center For Human Genetics Tuebingen Variant Classification Criteria Version 2. Collection method: clinical testing. Allele origin: germline. Affected: yes. Observed: 1 variant allele.
Comment: FOXI1: BP4, BP7

GeneDx
Classification: Likely benign. Last evaluated: 2020-03-03. Review status: criteria provided, single submitter. Criteria: GeneDx Variant Classification Process June 2021. Collection method: clinical testing. Allele origin: germline. Affected: yes.

Illumina Laboratory Services, Illumina
Classification: Uncertain significance for Autosomal recessive nonsyndromic hearing loss 4. Last evaluated: 2018-01-13. Review status: criteria provided, single submitter. Criteria: ICSL Variant Classification Criteria 13 December 2019. Collection method: clinical testing. Allele origin: germline.

Eurofins Ntd Llc (ga)
Classification: Uncertain significance. Last evaluated: 2016-01-22. Review status: criteria provided, single submitter. Criteria: EGL Classification Definitions 2015. Collection method: clinical testing. Allele origin: germline. Observed: 1 variant allele, 1 heterozygote.

NM_012188.5(FOXI1):c.825C>T (p.Ala275=)

Gene: FOXI1 (forkhead box I1; plus strand). Cytogenetic location: 5q35.1.
Variant type: single nucleotide variant.
Coding change: c.825C>T on transcript NM_012188.5 (MANE Select); coding-DNA position 825, C replaced by T.
Protein change: p.Ala275=; no amino-acid change (alanine 275 retained).
Molecular consequence: synonymous variant. On other transcripts: intron variant (1).
Genome position (GRCh38, 1-based): chr5:170,108,299, C>T. VCF-style: chr5-170108299-C-T. GRCh37 (hg19) VCF-style: chr5-169535303-C-T.
Other names: c.575-35C>T (NM_144769.4).
Identifiers: ClinVar variation 285399 (VCV000285399.45), dbSNP rs147596900, ClinGen allele CA3555112.